The following is an entry in ClinVar:

NM_000038.6(APC):c.423G>A (p.Arg141=)

Gene: APC (APC regulator of Wnt signaling pathway; plus strand). Cytogenetic location: 5q22.2.
Variant type: single nucleotide variant.
Coding change: c.423G>A on transcript NM_000038.6 (MANE Select); coding-DNA position 423, G replaced by A.
Protein change: p.Arg141=; no amino-acid change (arginine 141 retained).
Molecular consequence: synonymous variant. On other transcripts: 5 prime UTR variant (1).
Genome position (GRCh38, 1-based): chr5:112,775,629, G>A. VCF-style: chr5-112775629-G-A. GRCh37 (hg19) VCF-style: chr5-112111326-G-A.
Other names: c.423G>A, p.Arg141= (NM_001127510.3, NM_001354895.2, NM_001354896.2 and 2 more transcripts); c.453G>A, p.Arg151= (NM_001127511.3, NM_001354897.2, NM_001354902.2); c.348G>A, p.Arg116= (NM_001354898.2, NM_001354904.2); c.246G>A, p.Arg82= (NM_001354900.2, NM_001354901.2, NM_001354905.2); c.-613G>A (NM_001354906.2); c.423G>A (NM_000038.5).
Identifiers: ClinVar variation 1441632 (VCV001441632.7), dbSNP rs863224458, ClinGen allele CA445753007.

ClinVar aggregate classification (germline): Uncertain significance. Review status: criteria provided, multiple submitters, no conflicts (2 of 4 stars). 2 submissions from 2 submitters: Uncertain significance (2). Last evaluated 2026-05-26.

Conditions:
Familial adenomatous polyposis 1 (FAP1). Also called: FAMILIAL ADENOMATOUS POLYPOSIS 1, ATTENUATED; POLYPOSIS, ADENOMATOUS INTESTINAL. Identifiers: MedGen C2713442, MONDO:0021056, OMIM 175100. Disease mechanism: loss of function.
Hereditary cancer-predisposing syndrome. Also called: Tumor predisposition; Neoplastic Syndromes, Hereditary; Hereditary Cancer Syndrome; Hereditary neoplastic syndrome. Identifiers: Orphanet 140162, MedGen C0027672, MeSH D009386, MONDO:0015356.

Submissions (2):

Ambry Genetics
Classification: Uncertain significance for Hereditary cancer-predisposing syndrome. Last evaluated: 2026-05-26. Review status: criteria provided, single submitter. Criteria: Ambry Variant Classification Scheme 2023. Collection method: clinical testing. Allele origin: germline.
Comment: The c.423G>A variant (also known as p.R141R), located in coding exon 4 of the APC gene, results from a G to A substitution at nucleotide position 423. This nucleotide substitution does not change the arginine at codon 141. This nucleotide position is not well conserved in available vertebrate species. In silico splice site analysis predicts that this alteration may weaken the native splice acceptor site. Based on the available evidence, the clinical significance of this variant remains unclear.

Labcorp Genetics (formerly Invitae), Labcorp
Classification: Uncertain significance for Familial adenomatous polyposis 1. Last evaluated: 2021-11-30. Review status: criteria provided, single submitter. Criteria: Invitae Variant Classification Sherloc (09022015). Collection method: clinical testing. Allele origin: germline.
Comment: In summary, the available evidence is currently insufficient to determine the role of this variant in disease. Therefore, it has been classified as a Variant of Uncertain Significance. This sequence change affects codon 141 of the APC mRNA. It is a 'silent' change, meaning that it does not change the encoded amino acid sequence of the APC protein. It affects a nucleotide within the consensus splice site. This variant is not present in population databases (gnomAD no frequency). This variant has not been reported in the literature in individuals affected with APC-related conditions. Algorithms developed to predict the effect of sequence changes on RNA splicing suggest that this variant may disrupt the consensus splice site.